The following is an entry in ClinVar:

ClinVar aggregate classification (germline): Likely benign (1 of 4 stars; one submission).

Submission:

Women's Health and Genetics/Laboratory Corporation of America, LabCorp
Classification: Likely benign. Last evaluated: 2023-11-16. Review status: criteria provided, single submitter. Criteria: LabCorp Variant Classification Summary - May 2015. Collection method: clinical testing. Allele origin: germline.
Comment: Variant summary: SPTAN1 c.2871+10dupT alters a non-conserved nucleotide located at a position not widely known to affect splicing. Consensus agreement among computation tools predict no significant impact on normal splicing. However, these predictions have yet to be confirmed by functional studies. The variant was absent in 251162 control chromosomes. The available data on variant occurrences in the general population are insufficient to allow any conclusion about variant significance. To our knowledge, no occurrence of c.2871+10dupT in individuals affected with Epileptic Encephalopathy, Early Infantile, 5 and no experimental evidence demonstrating its impact on protein function have been reported. No submitters have cited clinical-significance assessments for this variant to ClinVar after 2014. Based on the evidence outlined above, the variant was classified as likely benign.

NM_001130438.3(SPTAN1):c.2871+10dup

Gene: SPTAN1 (spectrin alpha, non-erythrocytic 1; plus strand). Cytogenetic location: 9q34.11.
Variant type: Duplication.
Coding change: c.2871+10dup on transcript NM_001130438.3 (MANE Select); 10 bases into the intron after coding-DNA position 2871, one base duplicated (T; older notation c.2871+10dupT).
Molecular consequence: intron variant.
Genome position (GRCh38, 1-based): chr9:128,587,708, T duplicated. VCF-style (leftmost placement, unchanged base first): chr9-128587707-G-GT. GRCh37 (hg19) VCF-style: chr9-131349986-G-GT.
Other names: c.2907+10dup (NM_001375318.1, NM_001375312.2); c.2871+10dup (NM_001375311.2, NM_001375314.2, NM_001375310.1 and 5 more transcripts); c.2871+10dupT (NM_001130438.3).
Identifiers: ClinVar variation 2682570 (VCV002682570.1), dbSNP rs1852836415, ClinGen allele CA1880342087.